The following is an entry in ClinVar:

ClinVar aggregate classification (germline): Uncertain significance (1 of 4 stars; one submission).

Conditions:
Glycogen storage disease IXc (GSD9C). Also called: GSD IXc. Identifiers: Orphanet 264580, MedGen C2751643, MONDO:0013091, OMIM 613027.

Submission:

Labcorp Genetics (formerly Invitae), Labcorp
Classification: Uncertain significance for Glycogen storage disease IXc. Last evaluated: 2019-07-31. Review status: criteria provided, single submitter. Criteria: Invitae Variant Classification Sherloc (09022015). Collection method: clinical testing. Allele origin: germline.
Comment: Experimental studies and prediction algorithms are not available or were not evaluated for this variant, and the functional significance of the affected amino acid(s) is currently unknown. In summary, the available evidence is currently insufficient to determine the role of this variant in disease. Therefore, it has been classified as a Variant of Uncertain Significance. This variant has been observed in an individual affected with phosphorylase kinase deficiency (PMID: 24389071). This variant is not present in population databases (ExAC no frequency). This variant, c.158_160del, results in the deletion of 1 amino acid(s) of the PHKG2 protein (p.Lys53del), but otherwise preserves the integrity of the reading frame.

Literature cited by the submitters: PubMed 24389071.

NM_000294.3(PHKG2):c.158_160del (p.Lys53del)

Gene: PHKG2 (phosphorylase kinase catalytic subunit gamma 2; plus strand). Cytogenetic location: 16p11.2.
Variant type: Deletion.
Coding change: c.158_160del on transcript NM_000294.3 (MANE Select); coding-DNA positions 158 to 160, 3 bases deleted (AGA; older notation c.158_160delAGA).
Protein change: p.Lys53del; deletes lysine 53.
Molecular consequence: inframe deletion.
Genome position (GRCh38, 1-based): chr16:30,751,168-30,751,170, AGA deleted; deleting any 3 consecutive bases within chr16:30,751,166-30,751,170 gives the same sequence; the c. name uses the placement nearest the transcript's 3' end. VCF-style (leftmost placement, unchanged base first): chr16-30751165-TGAA-T. GRCh37 (hg19) VCF-style: chr16-30762486-TGAA-T.
Other names: c.158_160del, p.Lys53del (NM_001172432.2); short protein forms K53del.
Identifiers: ClinVar variation 947469 (VCV000947469.9), dbSNP rs2053338364, ClinGen allele CA1139664655.